The following is an entry in ClinVar:

NM_001278293.3(ARL6):c.456C>T (p.Ile152=)

Gene: ARL6 (ARF like GTPase 6; plus strand). Cytogenetic location: 3q11.2.
Variant type: single nucleotide variant.
Coding change: c.456C>T on transcript NM_001278293.3 (MANE Select); coding-DNA position 456, C replaced by T.
Protein change: p.Ile152=; no amino-acid change (isoleucine 152 retained).
Molecular consequence: synonymous variant. On other transcripts: non-coding transcript variant (7).
Genome position (GRCh38, 1-based): chr3:97,788,096, C>T. VCF-style: chr3-97788096-C-T. GRCh37 (hg19) VCF-style: chr3-97506940-C-T.
Other names: c.456C>T, p.Ile152= (NM_001323513.2, NM_001323514.2, NM_032146.5 and 1 more transcripts).
Identifiers: ClinVar variation 3354108 (VCV003354108.1).

ClinVar aggregate classification (germline): Likely benign (0 of 4 stars; one submission).

Conditions:
ARL6-related disorder. Also called: ARL6-related condition.

Submission:

PreventionGenetics, part of Exact Sciences
Classification: Likely benign for ARL6-related condition. Last evaluated: 2022-08-02. Review status: no assertion criteria provided. Collection method: clinical testing. Allele origin: germline.
Comment: This variant is classified as likely benign based on ACMG/AMP sequence variant interpretation guidelines (Richards et al. 2015 PMID: 25741868, with internal and published modifications).